The following is an entry in ClinVar:

ClinVar aggregate classification (germline): Conflicting classifications of pathogenicity. Review status: criteria provided, conflicting classifications (1 of 4 stars). 4 submissions from 4 submitters: Uncertain significance (2); Likely benign (2). Last evaluated 2025-12-09.

Conditions:
Cardiovascular phenotype. Identifiers: MedGen CN230736.
Arrhythmogenic right ventricular dysplasia 8 (ARVD8). Also called: ARRHYTHMOGENIC RIGHT VENTRICULAR CARDIOMYOPATHY 8; Arrhythmogenic Right Ventricular Dysplasia/Cardiomyopathy 8; ARRHYTHMOGENIC RIGHT VENTRICULAR DYSPLASIA, FAMILIAL, 8. Identifiers: MedGen C1843896, MONDO:0011831, OMIM 607450.
Arrhythmogenic cardiomyopathy with wooly hair and keratoderma. Also called: Arrhythmogenic cardiomyopathy with woolly hair and keratoderma; PALMOPLANTAR KERATODERMA WITH LEFT VENTRICULAR CARDIOMYOPATHY AND WOOLLY HAIR; Carvajal syndrome; Dilated cardiomyopathy with woolly hair and keratoderma. Identifiers: Orphanet 65282, MedGen C1854063, MONDO:0011581, OMIM 605676.

Allele frequency attached by ClinVar (database versions not stated): gnomAD 0.00001; TOPMed 0.00001; ExAC 0.00003.
gnomAD v4.1: 16 of 1,613,558 alleles (0.00099%); highest among the groups gnomAD compares: Admixed American, 0.027%; no homozygotes.

Submissions (4):

Labcorp Genetics (formerly Invitae), Labcorp
Classification: Likely benign for Arrhythmogenic cardiomyopathy with wooly hair and keratoderma; Arrhythmogenic right ventricular dysplasia 8. Last evaluated: 2025-12-09. Review status: criteria provided, single submitter. Criteria: Invitae Variant Classification Sherloc (09022015). Collection method: clinical testing. Allele origin: germline.

Ambry Genetics
Classification: Likely benign for Cardiovascular phenotype. Last evaluated: 2025-01-29. Review status: criteria provided, single submitter. Criteria: Ambry Variant Classification Scheme 2023. Collection method: clinical testing. Allele origin: germline.

All of Us Research Program, National Institutes of Health
Classification: Uncertain significance for Arrhythmogenic cardiomyopathy with wooly hair and keratoderma. Last evaluated: 2023-12-13. Review status: criteria provided, single submitter. Criteria: ACMG Guidelines, 2015. Collection method: clinical testing. Allele origin: germline. Inheritance: Autosomal dominant inheritance. Observed: 2 variant alleles, 2 heterozygotes.
Comment: This missense variant replaces glutamine with histidine at codon 1804 of the DSP protein. Computational prediction suggests that this variant may not impact protein structure and function (internally defined REVEL score threshold <= 0.5, PMID: 27666373). To our knowledge, functional studies have not been reported for this variant. This variant has not been reported in individuals affected with DSP-related disorders in the literature. This variant has been identified in 16/282316 chromosomes in the general population by the Genome Aggregation Database (gnomAD). The available evidence is insufficient to determine the role of this variant in disease conclusively. Therefore, this variant is classified as a Variant of Uncertain Significance.

This study involves interpretation of variants in research participants for the purpose of population health screening. Participant phenotype was not available at the time of variant classification. Additional details can be found in publication PMID: 35346344, PMCID: PMC8962531

Women's Health and Genetics/Laboratory Corporation of America, LabCorp
Classification: Uncertain significance. Last evaluated: 2017-05-19. Review status: criteria provided, single submitter. Criteria: LabCorp Variant Classification Summary - May 2015. Collection method: clinical testing. Allele origin: germline.
Comment: Variant summary: The DSP c.5412G>T (p.Gln1804His) variant involves the alteration of a non-conserved nucleotide, resulting in a missense substitution. The variant is not located within a known functional domain (InterPro). 3/4 in silico tools predict a benign outcome for this variant. This variant was found in the large control database ExAC in 4 of 121308 control chromosomes from all ethnicities, but was observed exclusively in the Latino subpopulation at a frequency of 0.000346 (4/11576). This frequency is about 14 times the estimated maximal expected allele frequency of a pathogenic DSP variant (0.000025), suggesting this is likely a benign polymorphism found primarily in the populations of Latino origin. To our knowledge, the variant of interest has not been reported in affected individuals via publications, nor has it been evaluated for functional impact by in vivo/vitro studies. Taken together, this variant is classified as a VUS - possibly benign variant until additional evidence becomes available.

NM_004415.4(DSP):c.5412G>T (p.Gln1804His)

Gene: DSP (desmoplakin; plus strand). Cytogenetic location: 6p24.3.
Variant type: single nucleotide variant.
Coding change: c.5412G>T on transcript NM_004415.4 (MANE Select); coding-DNA position 5412, G replaced by T.
Protein change: p.Gln1804His; replaces glutamine 1804 with histidine.
Molecular consequence: missense variant.
Genome position (GRCh38, 1-based): chr6:7,582,674, G>T. VCF-style: chr6-7582674-G-T. GRCh37 (hg19) VCF-style: chr6-7582907-G-T.
Other names: c.3615G>T, p.Gln1205His (NM_001008844.3); c.4083G>T, p.Gln1361His (NM_001319034.2); c.5412G>T (LRG_423t1); short protein forms Q1804H, Q1361H, Q1205H.
Identifiers: ClinVar variation 496246 (VCV000496246.12), dbSNP rs779809935, ClinGen allele CA044990.